The following is an entry in ClinVar:

ClinVar aggregate classification (germline): Likely benign. Review status: criteria provided, multiple submitters, no conflicts (2 of 4 stars). 4 submissions from 4 submitters: Likely benign (4). Last evaluated 2026-01-17.

Conditions:
Autosomal recessive inherited pseudoxanthoma elasticum (PXE). Identifiers: Orphanet 758, MedGen CN032334, MONDO:0009925, OMIM 264800.
Pseudoxanthoma elasticum, forme fruste. Also called: PSEUDOXANTHOMA ELASTICUM, HETEROZYGOUS; Pseudoxanthoma Elasticum, Incomplete. Identifiers: Orphanet 758, MedGen C1867450, MONDO:0008333, OMIM 177850.
Arterial calcification, generalized, of infancy, 2. Identifiers: Orphanet 51608, MedGen C3276161, MONDO:0013768, OMIM 614473.
ABCC6-related disorder. Also called: ABCC6-related condition.

Allele frequency attached by ClinVar (database versions not stated): ExAC 0.00015; gnomAD exomes 0.00017 and 0.00051; TOPMed 0.00026; gnomAD 0.00033 and 0.00034; ESP Exome Variant Server 0.00038.
gnomAD v4.1: 781 of 1,613,790 alleles (0.048%); highest among the groups gnomAD compares: Non-Finnish European, 0.062%; no homozygotes.

Submissions (4):

Labcorp Genetics (formerly Invitae), Labcorp
Classification: Likely benign. Last evaluated: 2026-01-17. Review status: criteria provided, single submitter. Criteria: Invitae Variant Classification Sherloc (09022015). Collection method: clinical testing. Allele origin: germline.

Blueprint Genetics
Classification: Likely benign. Last evaluated: 2024-11-21. Review status: criteria provided, single submitter. Criteria: ACMG Guidelines, 2015. Collection method: clinical testing. Allele origin: germline.

PreventionGenetics, part of Exact Sciences
Classification: Likely benign for ABCC6-related condition. Last evaluated: 2024-11-17. Review status: criteria provided, single submitter. Criteria: ACMG Guidelines, 2015. Collection method: clinical testing. Allele origin: germline.
Comment: This variant is classified as likely benign based on ACMG/AMP sequence variant interpretation guidelines (Richards et al. 2015 PMID: 25741868, with internal and published modifications).

Fulgent Genetics
Classification: Likely benign for Pseudoxanthoma elasticum, forme fruste; Autosomal recessive inherited pseudoxanthoma elasticum; Arterial calcification, generalized, of infancy, 2. Last evaluated: 2022-03-11. Review status: criteria provided, single submitter. Criteria: ACMG Guidelines, 2015. Collection method: clinical testing. Allele origin: unknown.

NM_001171.6(ABCC6):c.4278C>T (p.Asp1426=)

Gene: ABCC6 (ATP binding cassette subfamily C member 6; minus strand). Cytogenetic location: 16p13.11.
Variant type: single nucleotide variant.
Coding change: c.4278C>T on transcript NM_001171.6 (MANE Select); coding-DNA position 4278, C replaced by T.
Protein change: p.Asp1426=; no amino-acid change (aspartic acid 1426 retained).
Molecular consequence: synonymous variant. On other transcripts: non-coding transcript variant (1).
Genome position (GRCh38, 1-based): chr16:16,150,703, G>A on the plus strand (C>T on the coding strand, the complement: ABCC6 is on the minus strand). VCF-style: chr16-16150703-G-A. GRCh37 (hg19) VCF-style: chr16-16244560-G-A.
Other names: c.3936C>T, p.Asp1312= (NM_001351800.1); c.4278C>T (NM_001171.5).
Identifiers: ClinVar variation 1589346 (VCV001589346.11), dbSNP rs376210462, ClinGen allele CA7925235.
Genomic context (GRCh38, chr16:16,150,703, plus strand): 5'-GCTCCCGAGCATGGCCTGCATCTGCAGCTCCGTGCCAGGGTCCACGGCAGCAGTAGCCTC[G>A]TCCAGGATGAGGATCTGGGTCTTCCGGAGAAGGGCACGTGCCAGACACAGGAGCTGTTTC-3'
Protein context (NP_001162.5, residues 1416-1436): LLRKTQILIL[Asp1426=]EATAAVDPGT